The following is an entry in ClinVar:

ClinVar aggregate classification (germline): Uncertain significance. Review status: criteria provided, multiple submitters, no conflicts (2 of 4 stars). 3 submissions from 3 submitters: Uncertain significance (3). Last evaluated 2023-04-10.

Conditions:
HNSHA due to aldolase A deficiency (GSD12). Also called: GLYCOGEN STORAGE DISEASE XII; GSD XII; RED CELL ALDOLASE DEFICIENCY; Glycogen storage disease due to aldolase A deficiency. Identifiers: Orphanet 57, MedGen C0272066, MONDO:0012747, OMIM 611881.

Allele frequency attached by ClinVar (database versions not stated): ExAC 0.00002; gnomAD 0.00003; TOPMed 0.00003; ESP Exome Variant Server 0.00008.
gnomAD v4.1: 59 of 1,613,728 alleles (0.0037%); highest among the groups gnomAD compares: Non-Finnish European, 0.0049%; no homozygotes.

Submissions (3):

ARUP Laboratories, Molecular Genetics and Genomics, ARUP Laboratories
Classification: Uncertain significance for HNSHA due to aldolase A deficiency. Last evaluated: 2023-04-10. Review status: criteria provided, single submitter. Criteria: ARUP Molecular Germline Variant Investigation Process 2024. Collection method: clinical testing. Allele origin: germline.

Labcorp Genetics (formerly Invitae), Labcorp
Classification: Uncertain significance for HNSHA due to aldolase A deficiency. Last evaluated: 2022-02-11. Review status: criteria provided, single submitter. Criteria: Invitae Variant Classification Sherloc (09022015). Collection method: clinical testing. Allele origin: germline.
Comment: This sequence change replaces glutamic acid, which is acidic and polar, with lysine, which is basic and polar, at codon 327 of the ALDOA protein (p.Glu327Lys). This variant is present in population databases (rs375546208, gnomAD 0.005%). This variant has not been reported in the literature in individuals affected with ALDOA-related conditions. Algorithms developed to predict the effect of missense changes on protein structure and function (SIFT, PolyPhen-2, Align-GVGD) all suggest that this variant is likely to be tolerated. In summary, the available evidence is currently insufficient to determine the role of this variant in disease. Therefore, it has been classified as a Variant of Uncertain Significance.

Revvity Omics, Revvity
Classification: Uncertain significance for HNSHA due to aldolase A deficiency. Last evaluated: 2021-10-12. Review status: criteria provided, single submitter. Criteria: ACMG Guidelines, 2015. Collection method: clinical testing. Allele origin: germline.

NM_001243177.4(ALDOA):c.1141G>A (p.Glu381Lys)

Genes: ALDOA (aldolase, fructose-bisphosphate A; plus strand), LOC112694756 (uncharaterized LOC112694756; plus strand). Cytogenetic location: 16p11.2.
Variant type: single nucleotide variant.
Coding change: c.1141G>A on transcript NM_001243177.4 (MANE Select); coding-DNA position 1141, G replaced by A.
Protein change: p.Glu381Lys; replaces glutamic acid 381 with lysine.
Molecular consequence: missense variant. On other transcripts: 3 prime UTR variant (3).
Genome position (GRCh38, 1-based): chr16:30,070,009, G>A. VCF-style: chr16-30070009-G-A. GRCh37 (hg19) VCF-style: chr16-30081330-G-A.
Other names: c.*1488G>A (NM_001365304.2, NM_001365305.2, NM_001365307.2); c.979G>A, p.Glu327Lys (NM_001127617.2, NM_184041.5, NM_184043.2); short protein forms E327K, E381K.
Identifiers: ClinVar variation 2190522 (VCV002190522.5), dbSNP rs375546208, ClinGen allele CA8001211.
Genomic context (GRCh38, chr16:30,070,009, plus strand): 5'-CAGGCCTCTGCCCTGAAGGCCTGGGGCGGGAAGAAGGAGAACCTGAAGGCTGCGCAGGAG[G>A]AGTATGTCAAGCGAGCCCTGGTAAGGATAGGCAGGAGGTGGGCAGGGTGCCTGGGTGGAT-3'
Protein context (NP_001230106.1, residues 371-391): KKENLKAAQE[Glu381Lys]YVKRALANSL